The following is an entry in ClinVar:

ClinVar aggregate classification (germline): Benign/Likely benign (0 of 4 stars; one submission).

Submission:

GeneDx
Classification: Benign/Likely benign. Last evaluated: 2011-04-30. Review status: no assertion criteria provided. Collection method: clinical testing. Allele origin: not provided. Affected: yes. Observed: 5 variant alleles. Clinical features observed: Developmental delay AND/OR other significant developmental or morphological phenotypes.
Comment: Likely benign (4), Benign (1)

GRCh38/hg38 6p12.1(chr6:57052810-57085760)x3

Gene: KIAA1586 (KIAA1586; plus strand). Cytogenetic location: 6p12.1.
Variant type: copy number gain.
Change: copy number 3 (three copies instead of two) of chr6:57,052,810-57,085,760 (33.0 kb, GRCh38 coordinates, 1-based), cytogenetic band 6p12.1.
Identifiers: ClinVar variation 144903 (VCV000144903.1).